The following is an entry in ClinVar:

ClinVar aggregate classification (germline): Conflicting classifications of pathogenicity. Review status: criteria provided, conflicting classifications (1 of 4 stars). 3 submissions from 3 submitters: Uncertain significance (2); Likely benign (1). Last evaluated 2025-10-13.

Allele frequency attached by ClinVar (database versions not stated): TOPMed 0.00006.
gnomAD v4.1: 59 of 1,613,862 alleles (0.0037%); highest among the groups gnomAD compares: South Asian, 0.021%; no homozygotes.

Submissions (3):

Labcorp Genetics (formerly Invitae), Labcorp
Classification: Uncertain significance. Last evaluated: 2025-10-13. Review status: criteria provided, single submitter. Criteria: Invitae Variant Classification Sherloc (09022015). Collection method: clinical testing. Allele origin: germline.
Comment: This sequence change replaces valine, which is neutral and non-polar, with methionine, which is neutral and non-polar, at codon 678 of the A2ML1 protein (p.Val678Met). This variant is present in population databases (rs148198269, gnomAD 0.02%). This variant has not been reported in the literature in individuals affected with A2ML1-related conditions. ClinVar contains an entry for this variant (Variation ID: 949638). An algorithm developed to predict the effect of missense changes on protein structure and function outputs the following: PolyPhen-2: "Benign". The methionine amino acid residue is found in multiple mammalian species, which suggests that this missense change does not adversely affect protein function. In summary, the available evidence is currently insufficient to determine the role of this variant in disease. Therefore, it has been classified as a Variant of Uncertain Significance.

Ambry Genetics
Classification: Likely benign. Last evaluated: 2025-08-11. Review status: criteria provided, single submitter. Criteria: Ambry Variant Classification Scheme 2023. Collection method: clinical testing. Allele origin: germline.

Women's Health and Genetics/Laboratory Corporation of America, LabCorp
Classification: Uncertain significance. Last evaluated: 2022-12-19. Review status: criteria provided, single submitter. Criteria: LabCorp Variant Classification Summary - May 2015. Collection method: clinical testing. Allele origin: germline.
Comment: Variant summary: A2ML1 c.2032G>A (p.Val678Met) results in a conservative amino acid change in the encoded protein sequence. Five of five in-silico tools predict a benign effect of the variant on protein function. The variant allele was found at a frequency of 3.6e-05 in 249516 control chromosomes (gnomAD). The available data on variant occurrences in the general population are insufficient to allow any conclusion about variant significance. To our knowledge, no occurrence of c.2032G>A in individuals affected with Noonan Syndrome and no experimental evidence demonstrating its impact on protein function have been reported. One clinical diagnostic laboratory has submitted clinical-significance assessments for this variant to ClinVar after 2014 without evidence for independent evaluation: the variant was classified as uncertain significance. Based on the evidence outlined above, the variant was classified as uncertain significance.

NM_144670.6(A2ML1):c.2032G>A (p.Val678Met)

Gene: A2ML1 (alpha-2-macroglobulin like 1; plus strand). Cytogenetic location: 12p13.31.
Variant type: single nucleotide variant.
Coding change: c.2032G>A on transcript NM_144670.6 (MANE Select); coding-DNA position 2032, G replaced by A.
Protein change: p.Val678Met; replaces valine 678 with methionine.
Molecular consequence: missense variant.
Genome position (GRCh38, 1-based): chr12:8,849,672, G>A. VCF-style: chr12-8849672-G-A. GRCh37 (hg19) VCF-style: chr12-9002268-G-A.
Other names: c.559G>A, p.Val187Met (NM_001282424.3); c.2032G>A (NM_144670.3); short protein forms V187M, V678M.
Identifiers: ClinVar variation 949638 (VCV000949638.11), dbSNP rs148198269, ClinGen allele CA6435885.